The following is an entry in ClinVar:

ClinVar aggregate classification (germline): Uncertain significance. Review status: criteria provided, multiple submitters, no conflicts (2 of 4 stars). 2 submissions from 2 submitters: Uncertain significance (2). Last evaluated 2024-04-14.

Conditions:
Inborn genetic diseases. Identifiers: MedGen C0950123, MeSH D030342.

Allele frequency attached by ClinVar (database versions not stated): gnomAD exomes below 0.00001; gnomAD 0.00001; TOPMed 0.00002.

Submissions (2):

Ambry Genetics
Classification: Uncertain significance for Inborn genetic diseases. Last evaluated: 2024-04-14. Review status: criteria provided, single submitter. Criteria: Ambry Variant Classification Scheme 2023. Collection method: clinical testing. Allele origin: germline.
Comment: The p.V80M variant (also known as c.238G>A) is located in coding exon 3 of the LRRK2 gene. The valine at codon 80 is replaced by methionine, an amino acid with highly similar properties. This change occurs in the first base pair of coding exon 3. This amino acid position is conserved. In addition, this alteration is predicted to be tolerated by in silico analysis. Since supporting evidence is limited at this time, the clinical significance of this alteration remains unclear.

GeneDx
Classification: Uncertain significance. Last evaluated: 2023-12-06. Review status: criteria provided, single submitter. Criteria: GeneDx Variant Classification Process June 2021. Collection method: clinical testing. Allele origin: germline. Affected: yes.
Comment: Not observed at significant frequency in large population cohorts (gnomAD); In silico analysis supports that this missense variant does not alter protein structure/function; Has not been previously published as pathogenic or benign to our knowledge

NM_198578.4(LRRK2):c.238G>A (p.Val80Met)

Gene: LRRK2 (leucine rich repeat kinase 2; plus strand). Cytogenetic location: 12q12.
Variant type: single nucleotide variant.
Coding change: c.238G>A on transcript NM_198578.4 (MANE Select); coding-DNA position 238, G replaced by A.
Protein change: p.Val80Met; replaces valine 80 with methionine.
Molecular consequence: missense variant.
Genome position (GRCh38, 1-based): chr12:40,232,274, G>A. VCF-style: chr12-40232274-G-A. GRCh37 (hg19) VCF-style: chr12-40626076-G-A.
Other names: short protein forms V80M.
Identifiers: ClinVar variation 1790552 (VCV001790552.4), dbSNP rs1030342140, ClinGen allele CA235348306.
Genomic context (GRCh38, chr12:40,232,274, plus strand): 5'-CTGAGTATGCTCTATTAACATTCTTTAAAACATGTGAATATATGTCTTTCTTGTTTTCAG[G>A]TGGGTTGGTCACTTCTGTGCAAATTAATAGAAGTCTGTCCAGGTACAATGCAAAGCTTAA-3'
Protein context (NP_940980.4, residues 70-90): SYMRVASVQQ[Val80Met]GWSLLCKLIE